The following is an entry in ClinVar:

NM_001046.3(SLC12A2):c.1889G>C (p.Cys630Ser)

Gene: SLC12A2 (solute carrier family 12 member 2; plus strand). Cytogenetic location: 5q23.3.
Variant type: single nucleotide variant.
Coding change: c.1889G>C on transcript NM_001046.3 (MANE Select); coding-DNA position 1889, G replaced by C.
Protein change: p.Cys630Ser; replaces cysteine 630 with serine.
Molecular consequence: missense variant. On other transcripts: non-coding transcript variant (1).
Genome position (GRCh38, 1-based): chr5:128,148,761, G>C. VCF-style: chr5-128148761-G-C. GRCh37 (hg19) VCF-style: chr5-127484453-G-C.
Other names: c.1889G>C, p.Cys630Ser (NM_001256461.2); short protein forms C630S.
Identifiers: ClinVar variation 2575589 (VCV002575589.1), dbSNP rs2479404608, ClinGen allele CA360747011.

ClinVar aggregate classification (germline): Uncertain significance (1 of 4 stars; one submission).

Submission:

GeneDx
Classification: Uncertain significance. Last evaluated: 2023-02-09. Review status: criteria provided, single submitter. Criteria: GeneDx Variant Classification Process June 2021. Collection method: clinical testing. Allele origin: germline. Affected: yes.
Comment: Not observed at significant frequency in large population cohorts (gnomAD); In silico analysis supports that this missense variant has a deleterious effect on protein structure/function; Has not been previously published as pathogenic or benign to our knowledge